The following is an entry in ClinVar:

ClinVar aggregate classification (germline): Uncertain significance (1 of 4 stars; one submission).

Conditions:
Cardiovascular phenotype. Identifiers: MedGen CN230736.

Submission:

Ambry Genetics
Classification: Uncertain significance for Cardiovascular phenotype. Last evaluated: 2026-05-12. Review status: criteria provided, single submitter. Criteria: Ambry Variant Classification Scheme 2023. Collection method: clinical testing. Allele origin: germline.
Comment: The c.9435_9437delTCC variant (also known as p.P3146del) is located in coding exon 26 of the APOB gene. This variant results from an in-frame TCC deletion at nucleotide positions 9435 to 9437. This results in the in-frame deletion of a proline at codon 3146. This amino acid position is poorly conserved in available vertebrate species. In addition, this variant is predicted to be deleterious by in silico analysis (Choi Y et al. PLoS ONE. 2012; 7(10):e46688). Based on the available evidence, the clinical significance of this variant remains unclear.

NM_000384.3(APOB):c.9432TCC[1] (p.Pro3146del)

Gene: APOB (apolipoprotein B; minus strand). Cytogenetic location: 2p24.1.
Variant type: Microsatellite.
Coding change: c.9432TCC[1] on transcript NM_000384.3 (MANE Select); one copy of the 3-base unit TCC starting at c.9432; the reference has two copies in a row; one copy, 3 bases deleted.
Protein change: p.Pro3146del; deletes proline 3146.
Molecular consequence: inframe deletion.
Genome position (GRCh38, 1-based): chr2:21,007,431-21,007,433, GGA deleted on the plus strand (TCC on the coding strand, the reverse complement: APOB is on the minus strand); deleting any 3 consecutive bases within chr2:21,007,431-21,007,437 gives the same sequence; the position shown is the placement nearest the transcript's 3' end. VCF-style (leftmost placement, unchanged base first): chr2-21007430-TGGA-T. GRCh37 (hg19) VCF-style: chr2-21230302-TGGA-T.
Other names: short protein forms P3146del.
Identifiers: ClinVar variation 4862317 (VCV004862317.1).